The following is an entry in ClinVar:

ClinVar aggregate classification (germline): Uncertain significance. Review status: criteria provided, multiple submitters, no conflicts (2 of 4 stars). 2 submissions from 2 submitters: Uncertain significance (2). Last evaluated 2024-10-25.

Conditions:
Inborn genetic diseases. Identifiers: MedGen C0950123, MeSH D030342.
Short-rib thoracic dysplasia 8 with or without polydactyly (SRTD8). Also called: SHORT-RIB THORACIC DYSPLASIA 8 WITH POLYDACTYLY. Identifiers: Orphanet 93271, MedGen C3809691, MONDO:0014214, OMIM 615503.

Allele frequency attached by ClinVar (database versions not stated): gnomAD exomes below 0.00001; ExAC 0.00001; gnomAD 0.00001 and 0.00002; TOPMed 0.00005.
gnomAD v4.1: 6 of 1,603,492 alleles (0.00037%); highest among the groups gnomAD compares: Admixed American, 0.0034%; no homozygotes.

Submissions (2):

Ambry Genetics
Classification: Uncertain significance for Inborn genetic diseases. Last evaluated: 2024-10-25. Review status: criteria provided, single submitter. Criteria: Ambry Variant Classification Scheme 2023. Collection method: clinical testing. Allele origin: germline.

Labcorp Genetics (formerly Invitae), Labcorp
Classification: Uncertain significance for Short-rib thoracic dysplasia 8 with or without polydactyly. Last evaluated: 2022-02-24. Review status: criteria provided, single submitter. Criteria: Invitae Variant Classification Sherloc (09022015). Collection method: clinical testing. Allele origin: germline.
Comment: This sequence change replaces histidine, which is basic and polar, with arginine, which is basic and polar, at codon 887 of the WDR60 protein (p.His887Arg). In summary, the available evidence is currently insufficient to determine the role of this variant in disease. Therefore, it has been classified as a Variant of Uncertain Significance. Algorithms developed to predict the effect of missense changes on protein structure and function are either unavailable or do not agree on the potential impact of this missense change (SIFT: "Tolerated"; PolyPhen-2: "Possibly Damaging"; Align-GVGD: "Class C0"). This variant has not been reported in the literature in individuals affected with WDR60-related conditions. The frequency data for this variant in the population databases is considered unreliable, as metrics indicate poor data quality at this position in the gnomAD database.

NM_018051.5(DYNC2I1):c.2660A>G (p.His887Arg)

Gene: DYNC2I1 (dynein 2 intermediate chain 1; plus strand). Cytogenetic location: 7q36.3.
Variant type: single nucleotide variant.
Coding change: c.2660A>G on transcript NM_018051.5 (MANE Select); coding-DNA position 2660, A replaced by G.
Protein change: p.His887Arg; replaces histidine 887 with arginine.
Molecular consequence: missense variant.
Genome position (GRCh38, 1-based): chr7:158,934,431, A>G. VCF-style: chr7-158934431-A-G. GRCh37 (hg19) VCF-style: chr7-158727122-A-G.
Other names: c.2522A>G, p.His841Arg (NM_001350914.2); c.2087A>G, p.His696Arg (NM_001350915.2); c.1199A>G, p.His400Arg (NM_001350916.2); c.1412A>G, p.His471Arg (NM_001350917.2, NM_001350918.2); c.2660A>G (NM_018051.4); short protein forms H400R, H471R, H696R, H841R, H887R.
Identifiers: ClinVar variation 1680719 (VCV001680719.8), dbSNP rs746483898, ClinGen allele CA4595069.